The following is an entry in ClinVar:

ClinVar aggregate classification (germline): Pathogenic/Likely pathogenic. Review status: criteria provided, multiple submitters, no conflicts (2 of 4 stars). 2 submissions from 2 submitters: Pathogenic (1); Likely pathogenic (1). Last evaluated 2025-09-02.

Conditions:
Torsion dystonia 6 (DYT6). Also called: DYT-THAP1. Identifiers: Orphanet 98806, MedGen C1414216, MONDO:0011264, OMIM 602629.

Allele frequency attached by ClinVar (database versions not stated): gnomAD exomes below 0.00001.
gnomAD v4.1: 1 of 1,614,134 alleles (0.000062%); highest among the groups gnomAD compares: Non-Finnish European, 0.000085%; no homozygotes.

Submissions (2):

Labcorp Genetics (formerly Invitae), Labcorp
Classification: Pathogenic for Torsion dystonia 6. Last evaluated: 2025-09-02. Review status: criteria provided, single submitter. Criteria: Invitae Variant Classification Sherloc (09022015). Collection method: clinical testing. Allele origin: germline.
Comment: This sequence change creates a premature translational stop signal (p.Arg169*) in the THAP1 gene. While this is not anticipated to result in nonsense mediated decay, it is expected to disrupt the last 45 amino acid(s) of the THAP1 protein. This variant is not present in population databases (gnomAD no frequency). This premature translational stop signal has been observed in individuals with dystonia (PMID: 35531120, 36854336; internal data). It has also been observed to segregate with disease in related individuals. ClinVar contains an entry for this variant (Variation ID: 429366). This variant disrupts the C-terminus of the THAP1 protein. Other variant(s) that disrupt this region (p.Asp191Thrfs*9, p.Arg172Lysfs*7) have been observed in individuals with THAP1-related conditions (PMID: 21520283, 21847143). This suggests that this may be a clinically significant region of the protein. For these reasons, this variant has been classified as Pathogenic.

GeneDx
Classification: Likely pathogenic. Last evaluated: 2020-01-27. Review status: criteria provided, single submitter. Criteria: GeneDx Variant Classification Process June 2021. Collection method: clinical testing. Allele origin: germline. Affected: yes.
Comment: Nonsense variant in the C-terminus predicted to result in protein truncation, as the last 45 amino acids are lost, and other loss-of-function variants have been reported downstream in the Human Gene Mutation Database (Stenson et al., 2014); Not observed in large population cohorts (Lek et al., 2016); Has not been previously published as pathogenic or benign to our knowledge

Literature cited by the submitters: PubMed 35531120 (cited by Labcorp Genetics (formerly Invitae), Labcorp); PubMed 36854336 (cited by Labcorp Genetics (formerly Invitae), Labcorp); PubMed 21520283 (cited by Labcorp Genetics (formerly Invitae), Labcorp); PubMed 21847143 (cited by Labcorp Genetics (formerly Invitae), Labcorp).

NM_018105.3(THAP1):c.505C>T (p.Arg169Ter)

Gene: THAP1 (THAP domain containing 1; minus strand). Cytogenetic location: 8p11.21.
Variant type: single nucleotide variant.
Coding change: c.505C>T on transcript NM_018105.3 (MANE Select); coding-DNA position 505, C replaced by T.
Protein change: p.Arg169Ter; replaces arginine 169 with a stop codon.
Molecular consequence: nonsense. On other transcripts: 3 prime UTR variant (1).
Genome position (GRCh38, 1-based): chr8:42,838,099, G>A on the plus strand (C>T on the coding strand, the complement: THAP1 is on the minus strand). VCF-style: chr8-42838099-G-A. GRCh37 (hg19) VCF-style: chr8-42693242-G-A.
Other names: c.*147C>T (NM_199003.2); short protein forms R169*.
Identifiers: ClinVar variation 429366 (VCV000429366.9), dbSNP rs1131691345, ClinGen allele CA371106895.